The following is an entry in ClinVar:

NM_000548.5(TSC2):c.583A>T (p.Ile195Phe)

Gene: TSC2 (TSC complex subunit 2; plus strand). Cytogenetic location: 16p13.3.
Variant type: single nucleotide variant.
Coding change: c.583A>T on transcript NM_000548.5 (MANE Select); coding-DNA position 583, A replaced by T.
Protein change: p.Ile195Phe; replaces isoleucine 195 with phenylalanine.
Molecular consequence: missense variant. On other transcripts: 5 prime UTR variant (13), non-coding transcript variant (5), intron variant (6).
Genome position (GRCh38, 1-based): chr16:2,055,503, A>T. VCF-style: chr16-2055503-A-T. GRCh37 (hg19) VCF-style: chr16-2105504-A-T.
Other names: c.583A>T, p.Ile195Phe (NM_001077183.3, NM_001114382.3, NM_001363528.2 and 8 more transcripts); c.472A>T, p.Ile158Phe (NM_001318827.2, NM_001406670.1, NM_001406678.1); c.436A>T, p.Ile146Phe (NM_001318829.2, NM_001406675.1, NM_001406676.1 and 1 more transcripts); c.616A>T, p.Ile206Phe (NM_001318832.2); c.673A>T, p.Ile225Phe (NM_001406667.1, NM_001406668.1); c.526A>T, p.Ile176Phe (NM_001406677.1); c.-234A>T (NM_001406680.1, NM_001406683.1, NM_001406687.1); c.121A>T, p.Ile41Phe (NM_001406681.1); and 6 more; short protein forms I146F, I158F, I176F, I195F, I206F, I225F, I41F.
Identifiers: ClinVar variation 4802833 (VCV004802833.1).

ClinVar aggregate classification (germline): Uncertain significance (1 of 4 stars; one submission).

Conditions:
Tuberous sclerosis 2 (TSC2). Identifiers: Orphanet 805, MedGen C1860707, MONDO:0013199, OMIM 613254.

Submission:

Labcorp Genetics (formerly Invitae), Labcorp
Classification: Uncertain significance for Tuberous sclerosis 2. Last evaluated: 2026-01-11. Review status: criteria provided, single submitter. Criteria: Invitae Variant Classification Sherloc (09022015). Collection method: clinical testing. Allele origin: germline.
Comment: This sequence change replaces isoleucine, which is neutral and non-polar, with phenylalanine, which is neutral and non-polar, at codon 195 of the TSC2 protein (p.Ile195Phe). This variant is not present in population databases (gnomAD no frequency). This variant has not been reported in the literature in individuals affected with TSC2-related conditions. Invitae Evidence Modeling of protein sequence and biophysical properties (such as structural, functional, and spatial information, amino acid conservation, physicochemical variation, residue mobility, and thermodynamic stability) indicates that this missense variant is not expected to disrupt TSC2 protein function with a negative predictive value of 95%. In summary, the available evidence is currently insufficient to determine the role of this variant in disease. Therefore, it has been classified as a Variant of Uncertain Significance.